The following is an entry in ClinVar:

NM_024596.5(MCPH1):c.2453-5080C>G

Genes: MCPH1 (microcephalin 1; plus strand), MCPH1-AS1 (MCPH1 antisense RNA 1; minus strand). Cytogenetic location: 8p23.1.
Variant type: single nucleotide variant.
Coding change: c.2453-5080C>G on transcript NM_024596.5 (MANE Select); 5080 bases into the intron before coding-DNA position 2453, C replaced by G.
Molecular consequence: intron variant. On other transcripts: synonymous variant (1).
Genome position (GRCh38, 1-based): chr8:6,637,914, C>G. VCF-style: chr8-6637914-C-G. GRCh37 (hg19) VCF-style: chr8-6495435-C-G.
Other names: c.2466C>G, p.Leu822= (NM_001363979.1); c.2595-5080C>G (NM_001322042.2); c.2174-5080C>G (NM_001363980.2).
Identifiers: ClinVar variation 3025932 (VCV003025932.23), dbSNP rs187444854, ClinGen allele CA171457987.

ClinVar aggregate classification (germline): Likely benign. Review status: criteria provided, single submitter (1 of 4 stars). 2 submissions from 2 submitters: Likely benign (1). 1 of the submissions does not count toward it. Last evaluated 2025-01-01.

Conditions:
MCPH1-related disorder. Also called: MCPH1-related condition.

Allele frequency attached by ClinVar (database versions not stated): TOPMed 0.00099; 1000 Genomes Project 0.00120; 1000 Genomes Project 30x 0.00141.
gnomAD v4.1: 157 of 152,200 alleles (0.1%); highest among the groups gnomAD compares: Admixed American, 0.24%; 2 homozygotes.

Submissions (2):

CeGaT Center for Human Genetics Tuebingen
Classification: Likely benign. Last evaluated: 2025-01-01. Review status: criteria provided, single submitter. Criteria: CeGaT Center For Human Genetics Tuebingen Variant Classification Criteria Version 2. Collection method: clinical testing. Allele origin: germline. Affected: yes. Observed: 4 variant alleles.
Comment: MCPH1: BP4, BP7

PreventionGenetics, part of Exact Sciences
Classification: Likely benign for MCPH1-related condition. Last evaluated: 2023-12-20. Review status: no assertion criteria provided. Collection method: clinical testing. Allele origin: germline. Not counted in ClinVar's aggregate classification.
Comment: This variant is classified as likely benign based on ACMG/AMP sequence variant interpretation guidelines (Richards et al. 2015 PMID: 25741868, with internal and published modifications).